The following is an entry in ClinVar:

NM_001042517.2(DIAPH3):c.2777G>C (p.Gly926Ala)

Gene: DIAPH3 (diaphanous related formin 3; minus strand). Cytogenetic location: 13q21.2.
Variant type: single nucleotide variant.
Coding change: c.2777G>C on transcript NM_001042517.2 (MANE Select); coding-DNA position 2777, G replaced by C.
Protein change: p.Gly926Ala; replaces glycine 926 with alanine.
Molecular consequence: missense variant.
Genome position (GRCh38, 1-based): chr13:59,839,409, C>G on the plus strand (G>C on the coding strand, the complement: DIAPH3 is on the minus strand). VCF-style: chr13-59839409-C-G. GRCh37 (hg19) VCF-style: chr13-60413543-C-G.
Other names: c.2744G>C, p.Gly915Ala (NM_001258366.2); c.2639G>C, p.Gly880Ala (NM_001258367.2); c.2567G>C, p.Gly856Ala (NM_001258368.2); c.2777G>C, p.Gly926Ala (NM_001258369.2); c.1988G>C, p.Gly663Ala (NM_030932.4); short protein forms G880A, G915A, G663A, G926A, G856A.
Identifiers: ClinVar variation 1918718 (VCV001918718.29), dbSNP rs199833209, ClinGen allele CA6996284.
Genomic context (GRCh38, chr13:59,839,409, plus strand): 5'-TGCAAGTCCTCAGGAGGGGGAAAGGTTTCCAATTCCTTCTCAAGCTGTTGAAGCTGCCTT[C>G]CCATCTGCCTCAAATTCTTTTCCAGCGTTTCTACAGAGACTAAAAGAGAGTATATTAAAT-3'
Protein context (NP_001035982.1, residues 916-936): ETLEKNLRQM[Gly926Ala]RQLQQLEKEL

ClinVar aggregate classification (germline): Uncertain significance. Review status: criteria provided, multiple submitters, no conflicts (2 of 4 stars). 2 submissions from 2 submitters: Uncertain significance (2). Last evaluated 2026-01-12.

Allele frequency attached by ClinVar (database versions not stated): gnomAD 0.00001; TOPMed 0.00002; ExAC 0.00003.
gnomAD v4.1: 29 of 1,613,594 alleles (0.0018%); highest among the groups gnomAD compares: Non-Finnish European, 0.0025%; no homozygotes.

Submissions (2):

Labcorp Genetics (formerly Invitae), Labcorp
Classification: Uncertain significance. Last evaluated: 2026-01-12. Review status: criteria provided, single submitter. Criteria: Invitae Variant Classification Sherloc (09022015). Collection method: clinical testing. Allele origin: germline.
Comment: This sequence change replaces glycine, which is neutral and non-polar, with alanine, which is neutral and non-polar, at codon 926 of the DIAPH3 protein (p.Gly926Ala). This variant is present in population databases (rs199833209, gnomAD 0.01%). This variant has not been reported in the literature in individuals affected with DIAPH3-related conditions. ClinVar contains an entry for this variant (Variation ID: 1918718). An algorithm developed to predict the effect of missense changes on protein structure and function (PolyPhen-2) suggests that this variant is likely to be disruptive. In summary, the available evidence is currently insufficient to determine the role of this variant in disease. Therefore, it has been classified as a Variant of Uncertain Significance.

CeGaT Center for Human Genetics Tuebingen
Classification: Uncertain significance. Last evaluated: 2023-05-01. Review status: criteria provided, single submitter. Criteria: CeGaT Center For Human Genetics Tuebingen Variant Classification Criteria Version 2. Collection method: clinical testing. Allele origin: germline. Affected: yes. Observed: 1 variant allele.
Comment: DIAPH3: PM2, BP4